The following is an entry in ClinVar:

NM_206933.4(USH2A):c.3207_3261dup (p.Ser1088delinsTyrGlnSerLeuLeuGluSerThrTer)

Genes: USH2A (usherin; minus strand), USH2A-AS1 (USH2A antisense RNA 1; plus strand). Cytogenetic location: 1q41.
Variant type: Duplication.
Coding change: c.3207_3261dup on transcript NM_206933.4 (MANE Select); coding-DNA positions 3207 to 3261, 55 bases duplicated.
Protein change: p.Ser1088delinsTyrGlnSerLeuLeuGluSerThrTer.
Molecular consequence: nonsense.
Genome position (GRCh38, 1-based): chr1:216,207,328-216,207,382, 55 bases duplicated. GRCh37 (hg19): chr1:216,380,671-216,380,725.
Other names: c.3207_3261dup, p.Ser1088delinsTyrGlnSerLeuLeuGluSerThrTer (NM_007123.6).
Identifiers: ClinVar variation 3349561 (VCV003349561.1).

ClinVar aggregate classification (germline): Pathogenic (0 of 4 stars; one submission).

Conditions:
USH2A-related disorder. Also called: USH2A-related disorders; USH2A-related condition. Identifiers: MedGen CN239332.

Submission:

PreventionGenetics, part of Exact Sciences
Classification: Pathogenic for USH2A-related condition. Last evaluated: 2024-05-15. Review status: no assertion criteria provided. Collection method: clinical testing. Allele origin: germline.
Comment: The USH2A c.3207_3261dup55 variant is predicted to result in a frameshift and premature protein termination (p.Ser1088Tyrfs*9). To our knowledge, this variant has not been reported in the literature or in a large population database, indicating this variant is rare. Frameshift variants in USH2A are expected to be pathogenic. This variant is interpreted as pathogenic.